The following is an entry in ClinVar:

NM_198060.4(NRAP):c.573G>A (p.Val191=)

Gene: NRAP (nebulin related anchoring protein; minus strand). Cytogenetic location: 10q25.3.
Variant type: single nucleotide variant.
Coding change: c.573G>A on transcript NM_198060.4 (MANE Select); coding-DNA position 573, G replaced by A.
Protein change: p.Val191=; no amino-acid change (valine 191 retained).
Molecular consequence: synonymous variant.
Genome position (GRCh38, 1-based): chr10:113,651,905, C>T on the plus strand (G>A on the coding strand, the complement: NRAP is on the minus strand). VCF-style: chr10-113651905-C-T. GRCh37 (hg19) VCF-style: chr10-115411664-C-T.
Other names: NC_000010.10:g.115411664C>T; c.573G>A, p.Val191= (NM_001261463.2, NM_001322945.2, NM_006175.5); c.573G>A (NM_198060.3).
Identifiers: ClinVar variation 3056292 (VCV003056292.4), dbSNP rs117582231, ClinGen allele CA5695868.

ClinVar aggregate classification (germline): Benign. Review status: criteria provided, single submitter (1 of 4 stars). 2 submissions from 2 submitters: Benign (1). 1 of the submissions does not count toward it. Last evaluated 2025-04-09.

Conditions:
NRAP-related disorder. Also called: NRAP-related condition.

Allele frequency attached by ClinVar (database versions not stated): 1000 Genomes Project 30x 0.01749; 1000 Genomes Project 0.01677; ExAC 0.03176; ESP Exome Variant Server 0.03199.
gnomAD v4.1: 57,521 of 1,598,652 alleles (3.6%); highest among the groups gnomAD compares: Middle Eastern, 11%; 1,289 homozygotes.

Submissions (7):

Molecular Diagnostic Laboratory for Inherited Cardiovascular Disease, Montreal Heart Institute
Classification: Benign. Last evaluated: 2025-04-09. Review status: criteria provided, single submitter. Criteria: ACMG Guidelines, 2015. Collection method: clinical testing. Allele origin: germline. Affected: no.

PreventionGenetics, part of Exact Sciences
Classification: Benign for NRAP-related condition. Last evaluated: 2019-02-27. Review status: no assertion criteria provided. Collection method: clinical testing. Allele origin: germline. Not counted in ClinVar's aggregate classification.
Comment: This variant is classified as benign based on ACMG/AMP sequence variant interpretation guidelines (Richards et al. 2015 PMID: 25741868, with internal and published modifications).

Dr. Peter K. Rogan Lab, Western University
No classification provided (evidence only). Condition: Colon adenocarcinoma. Review status: no classification provided. Collection method: in vitro. Allele origin: not applicable. Functional consequence: retained intron. Not counted in ClinVar's aggregate classification.

Dr. Peter K. Rogan Lab, Western University
No classification provided (evidence only). Condition: Hepatocellular carcinoma. Review status: no classification provided. Collection method: in vitro. Allele origin: not applicable. Functional consequence: retained intron. Not counted in ClinVar's aggregate classification.

Dr. Peter K. Rogan Lab, Western University
No classification provided (evidence only). Condition: Hepatocellular carcinoma. Review status: no classification provided. Collection method: in vitro. Allele origin: not applicable. Functional consequence: retained intron. Not counted in ClinVar's aggregate classification.

Dr. Peter K. Rogan Lab, Western University
No classification provided (evidence only). Condition: Nonpapillary renal cell carcinoma. Review status: no classification provided. Collection method: in vitro. Allele origin: not applicable. Functional consequence: retained intron. Not counted in ClinVar's aggregate classification.

Dr. Peter K. Rogan Lab, Western University
No classification provided (evidence only). Condition: Nonpapillary renal cell carcinoma. Review status: no classification provided. Collection method: in vitro. Allele origin: not applicable. Functional consequence: retained intron. Not counted in ClinVar's aggregate classification.